The following is an entry in ClinVar:

NM_001082486.2(ACD):c.1282C>T (p.Arg428Trp)

Gene: ACD (ACD shelterin complex subunit and telomerase recruitment factor; minus strand). Cytogenetic location: 16q22.1.
Variant type: single nucleotide variant.
Coding change: c.1282C>T on transcript NM_001082486.2 (MANE Select); coding-DNA position 1282, C replaced by T.
Protein change: p.Arg428Trp; replaces arginine 428 with tryptophan.
Molecular consequence: missense variant.
Genome position (GRCh38, 1-based): chr16:67,657,778, G>A on the plus strand (C>T on the coding strand, the complement: ACD is on the minus strand). VCF-style: chr16-67657778-G-A. GRCh37 (hg19) VCF-style: chr16-67691681-G-A.
Other names: c.1273C>T, p.Arg425Trp (NM_022914.3); short protein forms R425W, R428W.
Identifiers: ClinVar variation 1435630 (VCV001435630.10), dbSNP rs775323156, ClinGen allele CA8114381.

ClinVar aggregate classification (germline): Uncertain significance. Review status: criteria provided, multiple submitters, no conflicts (2 of 4 stars). 2 submissions from 2 submitters: Uncertain significance (2). Last evaluated 2025-07-09.

Conditions:
Dyskeratosis congenita, autosomal dominant 6 (DKCA6). Identifiers: Orphanet 3322, MedGen C4225284, MONDO:0014690, OMIM 616553.
Inborn genetic diseases. Identifiers: MedGen C0950123, MeSH D030342.

Allele frequency attached by ClinVar (database versions not stated): gnomAD 0.00001; gnomAD exomes 0.00001; TOPMed 0.00001; ExAC 0.00002.
gnomAD v4.1: 13 of 1,613,966 alleles (0.00081%); highest among the groups gnomAD compares: African/African-American, 0.0067%; no homozygotes.

Submissions (2):

Labcorp Genetics (formerly Invitae), Labcorp
Classification: Uncertain significance for Dyskeratosis congenita, autosomal dominant 6. Last evaluated: 2025-07-09. Review status: criteria provided, single submitter. Criteria: Invitae Variant Classification Sherloc (09022015). Collection method: clinical testing. Allele origin: germline.
Comment: This sequence change replaces arginine, which is basic and polar, with tryptophan, which is neutral and slightly polar, at codon 514 of the ACD protein (p.Arg514Trp). This variant is present in population databases (rs775323156, gnomAD 0.01%). This variant has not been reported in the literature in individuals affected with ACD-related conditions. ClinVar contains an entry for this variant (Variation ID: 1435630). Invitae Evidence Modeling of protein sequence and biophysical properties (such as structural, functional, and spatial information, amino acid conservation, physicochemical variation, residue mobility, and thermodynamic stability) has been performed for this missense variant. However, the output from this modeling did not meet the statistical confidence thresholds required to predict the impact of this variant on ACD protein function. In summary, the available evidence is currently insufficient to determine the role of this variant in disease. Therefore, it has been classified as a Variant of Uncertain Significance.

Ambry Genetics
Classification: Uncertain significance for Inborn genetic diseases. Last evaluated: 2023-12-08. Review status: criteria provided, single submitter. Criteria: Ambry Variant Classification Scheme 2023. Collection method: clinical testing. Allele origin: germline.